The following is an entry in ClinVar:

NM_033343.4(LHX4):c.761G>A (p.Ser254Asn)

Genes: ACBD6 (acyl-CoA binding domain containing 6; minus strand), LHX4 (LIM homeobox 4; plus strand), LHX4-AS1 (LHX4 antisense RNA 1; minus strand). Cytogenetic location: 1q25.2.
Variant type: single nucleotide variant.
Coding change: c.761G>A on transcript NM_033343.4 (MANE Select); coding-DNA position 761, G replaced by A.
Protein change: p.Ser254Asn; replaces serine 254 with asparagine.
Molecular consequence: missense variant.
Genome position (GRCh38, 1-based): chr1:180,271,989, G>A. VCF-style: chr1-180271989-G-A. GRCh37 (hg19) VCF-style: chr1-180241124-G-A.
Other names: short protein forms S254N.
Identifiers: ClinVar variation 4848114 (VCV004848114.1).
Genomic context (GRCh38, chr1:180,271,989, plus strand): 5'-GCCGGGGCAGCAGCAAGCAGGAGAAGGAGAGCTCTGCAGAGGACTGTGGGGTTAGTGACA[G>A]TGAGCTGAGCTTCCGAGGTGAGCAGGGCTGGAGGGGCCAGGCCGAGGCCTTAGGAAAGTC-3'
Protein context (NP_203129.1, residues 244-264): SSAEDCGVSD[Ser254Asn]ELSFREDQIL

ClinVar aggregate classification (germline): Uncertain significance (1 of 4 stars; one submission).

gnomAD v4.1: 1 of 1,612,826 alleles (0.000062%); highest among the groups gnomAD compares: Non-Finnish European, 0.000085%; no homozygotes.

Submission:

Women's Health and Genetics/Laboratory Corporation of America, LabCorp
Classification: Uncertain significance. Last evaluated: 2026-02-02. Review status: criteria provided, single submitter. Criteria: LabCorp Variant Classification Summary - May 2015. Collection method: clinical testing. Allele origin: germline.
Comment: Variant summary: LHX4 c.761G>A (p.Ser254Asn) results in a conservative amino acid change in the encoded protein sequence. Algorithms developed to predict the effect of missense changes on protein structure and function are either unavailable or do not agree on the potential impact of this missense change. The variant was absent in 250374 control chromosomes. The available data on variant occurrences in the general population are insufficient to allow any conclusion about variant significance. To our knowledge, no occurrence of c.761G>A in individuals affected with LHX4-related conditions and no experimental evidence demonstrating its impact on protein function have been reported. No submitters have cited clinical-significance assessments for this variant to ClinVar. Based on the evidence outlined above, the variant was classified as uncertain significance.